The following is an entry in ClinVar:

ClinVar aggregate classification (germline): Uncertain significance (1 of 4 stars; one submission).

Conditions:
EGFR-related lung cancer (EGFR). Identifiers: MedGen CN130014.

Submission:

Labcorp Genetics (formerly Invitae), Labcorp
Classification: Uncertain significance for EGFR-related lung cancer. Last evaluated: 2022-06-26. Review status: criteria provided, single submitter. Criteria: Invitae Variant Classification Sherloc (09022015). Collection method: clinical testing. Allele origin: germline.
Comment: This variant has not been reported in the literature in individuals affected with EGFR-related conditions. Algorithms developed to predict the effect of sequence changes on RNA splicing suggest that this variant may disrupt the consensus splice site. In summary, the available evidence is currently insufficient to determine the role of this variant in disease. Therefore, it has been classified as a Variant of Uncertain Significance. This variant is not present in population databases (gnomAD no frequency). This sequence change falls in intron 21 of the EGFR gene. It does not directly change the encoded amino acid sequence of the EGFR protein.

NM_005228.5(EGFR):c.2626-17T>C

Gene: EGFR (epidermal growth factor receptor; plus strand). Cytogenetic location: 7p11.2.
Variant type: single nucleotide variant.
Coding change: c.2626-17T>C on transcript NM_005228.5 (MANE Select); 17 bases into the intron before coding-DNA position 2626, T replaced by C.
Molecular consequence: intron variant.
Genome position (GRCh38, 1-based): chr7:55,192,749, T>C. VCF-style: chr7-55192749-T-C. GRCh37 (hg19) VCF-style: chr7-55260442-T-C.
Other names: c.2491-17T>C (NM_001346899.2, NM_001346897.2); c.1825-17T>C (NM_001346941.2); c.2626-17T>C (NM_001346898.2); c.2467-17T>C (NM_001346900.2).
Identifiers: ClinVar variation 1946950 (VCV001946950.5), dbSNP rs1787455048, ClinGen allele CA2580077239.